The following is an entry in ClinVar:

ClinVar aggregate classification (germline): Uncertain significance. Review status: criteria provided, multiple submitters, no conflicts (2 of 4 stars). 2 submissions from 2 submitters: Uncertain significance (2). Last evaluated 2024-07-30.

Conditions:
Cardiovascular phenotype. Identifiers: MedGen CN230736.
Long QT syndrome (LQTS). Identifiers: MedGen C0023976, MeSH D008133, MONDO:0002442. Disease mechanism: loss of function. Inheritance: Various modes of inheritance.

Allele frequency attached by ClinVar (database versions not stated): ExAC 0.00001; gnomAD exomes 0.00001.

Submissions (2):

Labcorp Genetics (formerly Invitae), Labcorp
Classification: Uncertain significance for Long QT syndrome. Last evaluated: 2024-07-30. Review status: criteria provided, single submitter. Criteria: Invitae Variant Classification Sherloc (09022015). Collection method: clinical testing. Allele origin: germline.
Comment: This sequence change replaces phenylalanine, which is neutral and non-polar, with serine, which is neutral and polar, at codon 1503 of the AKAP9 protein (p.Phe1503Ser). This variant is present in population databases (rs774332915, gnomAD 0.003%). This variant has not been reported in the literature in individuals affected with AKAP9-related conditions. ClinVar contains an entry for this variant (Variation ID: 1741081). An algorithm developed to predict the effect of missense changes on protein structure and function outputs the following: PolyPhen-2: "Benign". The serine amino acid residue is found in multiple mammalian species, which suggests that this missense change does not adversely affect protein function. In summary, the available evidence is currently insufficient to determine the role of this variant in disease. Therefore, it has been classified as a Variant of Uncertain Significance.

Ambry Genetics
Classification: Uncertain significance for Cardiovascular phenotype. Last evaluated: 2021-08-07. Review status: criteria provided, single submitter. Criteria: Ambry Variant Classification Scheme 2023. Collection method: clinical testing. Allele origin: germline.
Comment: The p.F1503S variant (also known as c.4508T>C), located in coding exon 17 of the AKAP9 gene, results from a T to C substitution at nucleotide position 4508. The phenylalanine at codon 1503 is replaced by serine, an amino acid with highly dissimilar properties. This amino acid position is conserved. In addition, this alteration is predicted to be tolerated by in silico analysis. Since supporting evidence is limited at this time, the clinical significance of this alteration remains unclear.

NM_005751.5(AKAP9):c.4508T>C (p.Phe1503Ser)

Gene: AKAP9 (A-kinase anchoring protein 9; plus strand). Cytogenetic location: 7q21.2.
Variant type: single nucleotide variant.
Coding change: c.4508T>C on transcript NM_005751.5 (MANE Select); coding-DNA position 4508, T replaced by C.
Protein change: p.Phe1503Ser; replaces phenylalanine 1503 with serine.
Molecular consequence: missense variant.
Genome position (GRCh38, 1-based): chr7:92,038,588, T>C. VCF-style: chr7-92038588-T-C. GRCh37 (hg19) VCF-style: chr7-91667902-T-C.
Other names: c.4508T>C, p.Phe1503Ser (NM_147185.3); short protein forms F1503S.
Identifiers: ClinVar variation 1741081 (VCV001741081.4), dbSNP rs774332915, ClinGen allele CA4336582.